The following is an entry in ClinVar:

NM_001035.3(RYR2):c.12658G>A (p.Glu4220Lys)

Genes: RYR2 (ryanodine receptor 2; plus strand), LOC126806068 (BRD4-independent group 4 enhancer GRCh37_chr1:237947411-237948610; plus strand). Cytogenetic location: 1q43.
Variant type: single nucleotide variant.
Coding change: c.12658G>A on transcript NM_001035.3 (MANE Select); coding-DNA position 12658, G replaced by A.
Protein change: p.Glu4220Lys; replaces glutamic acid 4220 with lysine.
Molecular consequence: missense variant.
Genome position (GRCh38, 1-based): chr1:237,784,370, G>A. VCF-style: chr1-237784370-G-A. GRCh37 (hg19) VCF-style: chr1-237947670-G-A.
Other names: c.12658G>A (NM_001035.2); short protein forms E4220K.
Identifiers: ClinVar variation 924009 (VCV000924009.12), dbSNP rs753433827, ClinGen allele CA085209.

ClinVar aggregate classification (germline): Uncertain significance. Review status: criteria provided, multiple submitters, no conflicts (2 of 4 stars). 5 submissions from 5 submitters: Uncertain significance (4). 1 of the submissions does not count toward it. Last evaluated 2025-12-14.

Conditions:
Catecholaminergic polymorphic ventricular tachycardia 1. Also called: VENTRICULAR TACHYCARDIA, CATECHOLAMINERGIC POLYMORPHIC, 1, WITH OR WITHOUT ATRIAL DYSFUNCTION AND/OR DILATED CARDIOMYOPATHY; RYR2-Related Catecholaminergic Polymorphic Ventricular Tachycardia; VENTRICULAR TACHYCARDIA, STRESS-INDUCED POLYMORPHIC 1. Identifiers: Orphanet 3286, MedGen C1631597, MONDO:0011484, OMIM 604772.
Cardiovascular phenotype. Identifiers: MedGen CN230736.
Catecholaminergic polymorphic ventricular tachycardia (CVPT). Also called: Catecholamine-induced polymorphic ventricular tachycardia. Identifiers: Orphanet 3286, MedGen C5574922, MONDO:0017990.
RYR2-related disorder. Also called: RYR2-related condition.
Cardiomyopathy (CMYO). Also called: Cardiomyopathies. Identifiers: Orphanet 167848, MedGen C0878544, MONDO:0004994, HP:0001638. Inheritance: Various modes of inheritance.

Allele frequency attached by ClinVar (database versions not stated): gnomAD exomes below 0.00001; ExAC 0.00001; gnomAD 0.00003; TOPMed 0.00003.
gnomAD v4.1: 7 of 1,613,870 alleles (0.00043%); highest among the groups gnomAD compares: Admixed American, 0.0067%; no homozygotes.

Submissions (5):

Labcorp Genetics (formerly Invitae), Labcorp
Classification: Uncertain significance for Catecholaminergic polymorphic ventricular tachycardia 1. Last evaluated: 2025-12-14. Review status: criteria provided, single submitter. Criteria: Invitae Variant Classification Sherloc (09022015). Collection method: clinical testing. Allele origin: germline.
Comment: This sequence change replaces glutamic acid, which is acidic and polar, with lysine, which is basic and polar, at codon 4220 of the RYR2 protein (p.Glu4220Lys). This variant is present in population databases (rs753433827, gnomAD 0.003%). This variant has not been reported in the literature in individuals affected with RYR2-related conditions. ClinVar contains an entry for this variant (Variation ID: 924009). Invitae Evidence Modeling of protein sequence and biophysical properties (such as structural, functional, and spatial information, amino acid conservation, physicochemical variation, residue mobility, and thermodynamic stability) indicates that this missense variant is not expected to disrupt RYR2 protein function with a negative predictive value of 95%. In summary, the available evidence is currently insufficient to determine the role of this variant in disease. Therefore, it has been classified as a Variant of Uncertain Significance.

All of Us Research Program, National Institutes of Health
Classification: Uncertain significance for Catecholaminergic polymorphic ventricular tachycardia. Last evaluated: 2024-07-10. Review status: criteria provided, single submitter. Criteria: ACMG Guidelines, 2015. Collection method: clinical testing. Allele origin: germline. Inheritance: Autosomal dominant inheritance. Observed: 1 variant allele, 1 heterozygote.
Comment: This missense variant replaces glutamic acid with lysine at codon 4220 of the RYR2 protein. Computational prediction tools and conservation analyses are inconclusive regarding the impact of this variant on the protein function. Computational splicing tools suggest that this variant may not impact RNA splicing. To our knowledge, functional assays have not been performed for this variant nor has this variant been reported in individuals affected with cardiovascular disorders in the literature. This variant has been identified in 1/248634 chromosomes in the general population by the Genome Aggregation Database (gnomAD). Available evidence is insufficient to determine the role of this variant in disease conclusively. Therefore, this variant is classified as a Variant of Uncertain Significance.

This study involves interpretation of variants in research participants for the purpose of population health screening. Participant phenotype was not available at the time of variant classification. Additional details can be found in publication PMID: 35346344, PMCID: PMC8962531

Color Diagnostics, LLC DBA Color Health
Classification: Uncertain significance for Cardiomyopathy. Last evaluated: 2023-12-05. Review status: criteria provided, single submitter. Criteria: ACMG Guidelines, 2015. Collection method: clinical testing. Allele origin: germline.
Comment: This missense variant replaces glutamic acid with lysine at codon 4220 of the RYR2 protein. Computational prediction tools and conservation analyses are inconclusive regarding the impact of this variant on the protein function. Computational splicing tools suggest that this variant may not impact RNA splicing. To our knowledge, functional assays have not been performed for this variant nor has this variant been reported in individuals affected with cardiovascular disorders in the literature. This variant has been identified in 1/248634 chromosomes in the general population by the Genome Aggregation Database (gnomAD). Available evidence is insufficient to determine the role of this variant in disease conclusively. Therefore, this variant is classified as a Variant of Uncertain Significance.

Ambry Genetics
Classification: Uncertain significance for Cardiovascular phenotype. Last evaluated: 2023-01-17. Review status: criteria provided, single submitter. Criteria: Ambry Variant Classification Scheme 2023. Collection method: clinical testing. Allele origin: germline.
Comment: The p.E4220K variant (also known as c.12658G>A), located in coding exon 90 of the RYR2 gene, results from a G to A substitution at nucleotide position 12658. The glutamic acid at codon 4220 is replaced by lysine, an amino acid with similar properties. This amino acid position is not well conserved in available vertebrate species. In addition, the in silico prediction for this alteration is inconclusive. Since supporting evidence is limited at this time, the clinical significance of this alteration remains unclear.

PreventionGenetics, part of Exact Sciences
Classification: Uncertain significance for RYR2-related condition. Last evaluated: 2024-03-12. Review status: no assertion criteria provided. Collection method: clinical testing. Allele origin: germline. Not counted in ClinVar's aggregate classification.
Comment: The RYR2 c.12658G>A variant is predicted to result in the amino acid substitution p.Glu4220Lys. To our knowledge, this variant has not been reported in the literature. This variant is reported in 0.0029% of alleles in individuals of Latino descent in gnomAD. At this time, the clinical significance of this variant is uncertain due to the absence of conclusive functional and genetic evidence.